The following is an entry in ClinVar:

ClinVar aggregate classification (germline): Uncertain significance. Review status: criteria provided, multiple submitters, no conflicts (2 of 4 stars). 2 submissions from 2 submitters: Uncertain significance (2). Last evaluated 2024-04-26.

Conditions:
Autosomal dominant nonsyndromic hearing loss 1. Also called: DEAFNESS, AUTOSOMAL DOMINANT 1, WITH OR WITHOUT THROMBOCYTOPENIA; KONIGSMARK SYNDROME. Identifiers: Orphanet 90635, MedGen C1852282, MONDO:0007424, OMIM 124900.
Progressive microcephaly-seizures-cortical blindness-developmental delay syndrome. Also called: Seizures, cortical blindness, and microcephaly syndrome. Identifiers: Orphanet 477814, MedGen C5567650, MONDO:0014714, OMIM 616632.

Submissions (2):

GeneDx
Classification: Uncertain significance. Last evaluated: 2024-04-26. Review status: criteria provided, single submitter. Criteria: GeneDx Variant Classification Process June 2021. Collection method: clinical testing. Allele origin: germline. Affected: yes.
Comment: Not observed at significant frequency in large population cohorts (gnomAD); In silico analysis supports that this missense variant has a deleterious effect on protein structure/function; Has not been previously published as pathogenic or benign to our knowledge

Labcorp Genetics (formerly Invitae), Labcorp
Classification: Uncertain significance for Progressive microcephaly-seizures-cortical blindness-developmental delay syndrome; Autosomal dominant nonsyndromic hearing loss 1. Last evaluated: 2023-12-26. Review status: criteria provided, single submitter. Criteria: Invitae Variant Classification Sherloc (09022015). Collection method: clinical testing. Allele origin: germline.
Comment: This sequence change replaces glutamic acid, which is acidic and polar, with aspartic acid, which is acidic and polar, at codon 123 of the DIAPH1 protein (p.Glu123Asp). This variant is not present in population databases (gnomAD no frequency). This variant has not been reported in the literature in individuals affected with DIAPH1-related conditions. Experimental studies and prediction algorithms are not available or were not evaluated, and the functional significance of this variant is currently unknown. In summary, the available evidence is currently insufficient to determine the role of this variant in disease. Therefore, it has been classified as a Variant of Uncertain Significance.

NM_005219.5(DIAPH1):c.369G>C (p.Glu123Asp)

Gene: DIAPH1 (diaphanous related formin 1; minus strand). Cytogenetic location: 5q31.3.
Variant type: single nucleotide variant.
Coding change: c.369G>C on transcript NM_005219.5 (MANE Select); coding-DNA position 369, G replaced by C.
Protein change: p.Glu123Asp; replaces glutamic acid 123 with aspartic acid.
Molecular consequence: missense variant.
Genome position (GRCh38, 1-based): chr5:141,584,157, C>G on the plus strand (G>C on the coding strand, the complement: DIAPH1 is on the minus strand). VCF-style: chr5-141584157-C-G. GRCh37 (hg19) VCF-style: chr5-140963724-C-G.
Other names: c.369G>C (NM_005219.4); c.342G>C, p.Glu114Asp (NM_001079812.3); c.369G>C, p.Glu123Asp (NM_001314007.2); short protein forms E114D, E123D.
Identifiers: ClinVar variation 2954547 (VCV002954547.4), dbSNP rs2513773977, ClinGen allele CA361543625.